The following is an entry in ClinVar:

ClinVar aggregate classification (germline): Uncertain significance. Review status: criteria provided, multiple submitters, no conflicts (2 of 4 stars). 2 submissions from 2 submitters: Uncertain significance (2). Last evaluated 2023-11-27.

Conditions:
Achromatopsia. Also called: Rod monochromatism. Identifiers: Orphanet 49382, MedGen C0152200, MONDO:0018852, HP:0011516.

Allele frequency attached by ClinVar (database versions not stated): gnomAD exomes below 0.00001; TOPMed 0.00001; gnomAD 0.00003.
gnomAD v4.1: 8 of 1,610,990 alleles (0.0005%); highest among the groups gnomAD compares: African/African-American, 0.004%; no homozygotes.

Submissions (2):

Labcorp Genetics (formerly Invitae), Labcorp
Classification: Uncertain significance. Last evaluated: 2023-11-27. Review status: criteria provided, single submitter. Criteria: Invitae Variant Classification Sherloc (09022015). Collection method: clinical testing. Allele origin: germline.
Comment: This sequence change replaces methionine, which is neutral and non-polar, with threonine, which is neutral and polar, at codon 719 of the PDE6C protein (p.Met719Thr). This variant is present in population databases (no rsID available, gnomAD 0.01%). This missense change has been observed in individual(s) with autosomal recessive achromatopsia (PMID: 30080950). ClinVar contains an entry for this variant (Variation ID: 487699). Advanced modeling of protein sequence and biophysical properties (such as structural, functional, and spatial information, amino acid conservation, physicochemical variation, residue mobility, and thermodynamic stability) performed at Invitae indicates that this missense variant is expected to disrupt PDE6C protein function with a positive predictive value of 80%. In summary, the available evidence is currently insufficient to determine the role of this variant in disease. Therefore, it has been classified as a Variant of Uncertain Significance.

Molecular Genetics Laboratory, Institute for Ophthalmic Research
Classification: Uncertain significance for Achromatopsia. Last evaluated: 2017-12-01. Review status: criteria provided, single submitter. Criteria: ACMG Guidelines, 2015. Collection method: research. Allele origin: germline. Affected: yes.

Literature cited by the submitters: PubMed 30080950 (cited by Labcorp Genetics (formerly Invitae), Labcorp).

NM_006204.4(PDE6C):c.2156T>C (p.Met719Thr)

Gene: PDE6C (phosphodiesterase 6C; plus strand). Cytogenetic location: 10q23.33.
Variant type: single nucleotide variant.
Coding change: c.2156T>C on transcript NM_006204.4 (MANE Select); coding-DNA position 2156, T replaced by C.
Protein change: p.Met719Thr; replaces methionine 719 with threonine.
Molecular consequence: missense variant.
Genome position (GRCh38, 1-based): chr10:93,659,115, T>C. VCF-style: chr10-93659115-T-C. GRCh37 (hg19) VCF-style: chr10-95418872-T-C.
Other names: short protein forms M719T.
Identifiers: ClinVar variation 487699 (VCV000487699.6), dbSNP rs1460255181, ClinGen allele CA377624953.
Genomic context (GRCh38, chr10:93,659,115, plus strand): 5'-CTTATTTTGTACTTATTTCTATTTTAAAATTTTTTGTTTTCTTCCTAAGGGCAATGATGA[T>C]GACGGCATGTGACTTGTCTGCTATTACCAAGCCCTGGGAGGTGCAAAGTCAGGTGAGTCC-3'
Protein context (NP_006195.3, residues 709-729): TKKEIIMAMM[Met719Thr]TACDLSAITK